The following is an entry in ClinVar:

NM_004813.4(PEX16):c.593G>A (p.Arg198Gln)

Gene: PEX16 (peroxisomal biogenesis factor 16; minus strand). Cytogenetic location: 11p11.2.
Variant type: single nucleotide variant.
Coding change: c.593G>A on transcript NM_004813.4 (MANE Select); coding-DNA position 593, G replaced by A.
Protein change: p.Arg198Gln; replaces arginine 198 with glutamine.
Molecular consequence: missense variant.
Genome position (GRCh38, 1-based): chr11:45,914,417, C>T on the plus strand (G>A on the coding strand, the complement: PEX16 is on the minus strand). VCF-style: chr11-45914417-C-T. GRCh37 (hg19) VCF-style: chr11-45935968-C-T.
Other names: c.593G>A, p.Arg198Gln (NM_057174.3); short protein forms R198Q.
Identifiers: ClinVar variation 498848 (VCV000498848.14), dbSNP rs1319561377, ClinGen allele CA380227104.
Genomic context (GRCh38, chr11:45,914,417, plus strand): 5'-GTCTCCTGCAGCCCCAGGGGGGTGGGGGTCGCACTCAGCTCCTCGTGATGCTGCTGCTGC[C>T]GTCCCTCCCGCTGCTGGGGAGCTCCCCAGTGCCTGGAGTGCAGGGACGGCGCTAGAACAC-3'
Protein context (NP_004804.2, residues 188-208): HWGAPQQREG[Arg198Gln]QQQHHEELSA

ClinVar aggregate classification (germline): Uncertain significance. Review status: criteria provided, multiple submitters, no conflicts (2 of 4 stars). 4 submissions from 4 submitters: Uncertain significance (4). Last evaluated 2025-03-27.

Conditions:
Peroxisome biogenesis disorder. Identifiers: Orphanet 79189, MedGen C1832200, MONDO:0019234. Disease mechanism: loss of function.
Inborn genetic diseases. Identifiers: MedGen C0950123, MeSH D030342.

Allele frequency attached by ClinVar (database versions not stated): gnomAD 0.00002; gnomAD exomes 0.00003; TOPMed 0.00003.
gnomAD v4.1: 41 of 1,608,994 alleles (0.0025%); highest among the groups gnomAD compares: Non-Finnish European, 0.0031%; no homozygotes.

Submissions (4):

Ambry Genetics
Classification: Uncertain significance for Inborn genetic diseases. Last evaluated: 2025-03-27. Review status: criteria provided, single submitter. Criteria: Ambry Variant Classification Scheme 2023. Collection method: clinical testing. Allele origin: germline.

Labcorp Genetics (formerly Invitae), Labcorp
Classification: Uncertain significance for Peroxisome biogenesis disorder. Last evaluated: 2022-10-17. Review status: criteria provided, single submitter. Criteria: Invitae Variant Classification Sherloc (09022015). Collection method: clinical testing. Allele origin: germline.
Comment: This sequence change replaces arginine, which is basic and polar, with glutamine, which is neutral and polar, at codon 198 of the PEX16 protein (p.Arg198Gln). This variant is present in population databases (no rsID available, gnomAD 0.007%). This variant has not been reported in the literature in individuals affected with PEX16-related conditions. ClinVar contains an entry for this variant (Variation ID: 498848). Advanced modeling of protein sequence and biophysical properties (such as structural, functional, and spatial information, amino acid conservation, physicochemical variation, residue mobility, and thermodynamic stability) performed at Invitae indicates that this missense variant is not expected to disrupt PEX16 protein function. In summary, the available evidence is currently insufficient to determine the role of this variant in disease. Therefore, it has been classified as a Variant of Uncertain Significance.

Blueprint Genetics
Classification: Uncertain significance. Last evaluated: 2020-10-23. Review status: criteria provided, single submitter. Criteria: ACMG Guidelines, 2015. Collection method: clinical testing. Allele origin: germline.

Eurofins Ntd Llc (ga)
Classification: Uncertain significance. Last evaluated: 2016-11-29. Review status: criteria provided, single submitter. Criteria: EGL Classification Definitions 2015. Collection method: clinical testing. Allele origin: germline. Observed: 1 variant allele, 1 heterozygote.